The following is an entry in ClinVar:

NM_000138.5(FBN1):c.4736C>T (p.Ala1579Val)

Gene: FBN1 (fibrillin 1; minus strand). Cytogenetic location: 15q21.1.
Variant type: single nucleotide variant.
Coding change: c.4736C>T on transcript NM_000138.5 (MANE Select); coding-DNA position 4736, C replaced by T.
Protein change: p.Ala1579Val; replaces alanine 1579 with valine.
Molecular consequence: missense variant.
Genome position (GRCh38, 1-based): chr15:48,467,949, G>A on the plus strand (C>T on the coding strand, the complement: FBN1 is on the minus strand). VCF-style: chr15-48467949-G-A. GRCh37 (hg19) VCF-style: chr15-48760146-G-A.
Other names: short protein forms A1579V.
Identifiers: ClinVar variation 1699724 (VCV001699724.5), dbSNP rs772009116, ClinGen allele CA053556.
Genomic context (GRCh38, chr15:48,467,949, plus strand): 5'-AGAACTGGCTGGAGTTGAAATAATAATAAATAGGAGGATGTCCACTTACATGTGTTCACA[G>A]CAGGACACATCTCACAAGGAGTACCCCAGGCTTTACCCAGAGAACAGCAGCAGGAAGCTT-3'
Protein context (NP_000129.3, residues 1569-1589): AWGTPCEMCP[Ala1579Val]VNTSEYKILC

ClinVar aggregate classification (germline): Conflicting classifications of pathogenicity. Review status: criteria provided, conflicting classifications (1 of 4 stars). 2 submissions from 2 submitters: Uncertain significance (1); Likely benign (1). Last evaluated 2025-02-26.

Conditions:
Marfan syndrome (MFS). Also called: Marfan's syndrome; Marfan syndrome, classic; MARFAN SYNDROME, TYPE I; Marfan syndrome type 1; FBN1-Related Marfan Syndrome. Identifiers: Orphanet 284963, Orphanet 558, MedGen C0024796, MONDO:0007947, OMIM 154700.
Familial thoracic aortic aneurysm and aortic dissection (TAAD). Also called: Thoracic aortic aneurysms and dissections. Identifiers: Orphanet 91387, MedGen C4707243, MONDO:0019625.

Allele frequency attached by ClinVar (database versions not stated): gnomAD exomes 0.00001; ExAC 0.00001.
gnomAD v4.1: 8 of 1,613,336 alleles (0.0005%); highest among the groups gnomAD compares: South Asian, 0.0088%; 1 homozygote.

Submissions (2):

Labcorp Genetics (formerly Invitae), Labcorp
Classification: Likely benign for Marfan syndrome; Familial thoracic aortic aneurysm and aortic dissection. Last evaluated: 2025-02-26. Review status: criteria provided, single submitter. Criteria: Invitae Variant Classification Sherloc (09022015). Collection method: clinical testing. Allele origin: germline.

GeneDx
Classification: Uncertain significance. Last evaluated: 2022-01-19. Review status: criteria provided, single submitter. Criteria: GeneDx Variant Classification Process June 2021. Collection method: clinical testing. Allele origin: germline. Affected: yes.
Comment: Not observed at significant frequency in large population cohorts (gnomAD); In silico analysis supports that this missense variant does not alter protein structure/function; Has not been previously published as pathogenic or benign to our knowledge